The following is an entry in ClinVar:

ClinVar aggregate classification (germline): Likely pathogenic (1 of 4 stars; one submission).

Conditions:
Multiple congenital anomalies-hypotonia-seizures syndrome 2 (MCAHS2). Also called: EPILEPTIC ENCEPHALOPATHY, EARLY INFANTILE, 20; GLYCOSYLPHOSPHATIDYLINOSITOL BIOSYNTHESIS DEFECT 4. Identifiers: Orphanet 300496, MedGen C3275508, MONDO:0010466, OMIM 300868.

Submission:

Labcorp Genetics (formerly Invitae), Labcorp
Classification: Likely pathogenic for Multiple congenital anomalies-hypotonia-seizures syndrome 2. Last evaluated: 2023-06-13. Review status: criteria provided, single submitter. Criteria: Invitae Variant Classification Sherloc (09022015). Collection method: clinical testing. Allele origin: germline.
Comment: In summary, the currently available evidence indicates that the variant is pathogenic, but additional data are needed to prove that conclusively. Therefore, this variant has been classified as Likely Pathogenic. Advanced modeling of protein sequence and biophysical properties (such as structural, functional, and spatial information, amino acid conservation, physicochemical variation, residue mobility, and thermodynamic stability) performed at Invitae indicates that this missense variant is expected to disrupt PIGA protein function. This missense change has been observed in individual(s) with clinical features of PIGA-congenital disorder of glycosylation (Invitae). It has also been observed to segregate with disease in related individuals. This variant is not present in population databases (gnomAD no frequency). This sequence change replaces arginine, which is basic and polar, with threonine, which is neutral and polar, at codon 63 of the PIGA protein (p.Arg63Thr).

NM_002641.4(PIGA):c.188G>C (p.Arg63Thr)

Gene: PIGA (phosphatidylinositol glycan anchor biosynthesis class A; minus strand). Cytogenetic location: Xp22.2.
Variant type: single nucleotide variant.
Coding change: c.188G>C on transcript NM_002641.4 (MANE Select); coding-DNA position 188, G replaced by C.
Protein change: p.Arg63Thr; replaces arginine 63 with threonine.
Molecular consequence: missense variant. On other transcripts: non-coding transcript variant (1), intron variant (1).
Genome position (GRCh38, 1-based): chrX:15,331,743, C>G on the plus strand (G>C on the coding strand, the complement: PIGA is on the minus strand). VCF-style: chrX-15331743-C-G. GRCh37 (hg19) VCF-style: chrX-15349865-C-G.
Other names: c.13+3758G>C (NM_020473.3); short protein forms R63T.
Identifiers: ClinVar variation 2844498 (VCV002844498.3), dbSNP rs2519331917, ClinGen allele CA412341053.
Genomic context (GRCh38, chrX:15,331,743, plus strand): 5'-AGGTAACGGATGCCTTTTCGATTTCCATAAGCATGGGTGACAATTATAACCTTATGCCCT[C>G]TTTCAATCAGGCACTGAGAGAGCTGGTAAATGTGGCTTTCCACGCCTCCCATATTTGGGT-3'
Protein context (NP_002632.1, residues 53-73): IYQLSQCLIE[Arg63Thr]GHKVIIVTHA